The following is an entry in ClinVar:

ClinVar aggregate classification (germline): Uncertain significance (1 of 4 stars; one submission).

Allele frequency attached by ClinVar (database versions not stated): gnomAD exomes 0.00001; ExAC 0.00002; TOPMed 0.00002; gnomAD 0.00005; ESP Exome Variant Server 0.00008.
gnomAD v4.1: 17 of 1,614,048 alleles (0.0011%); highest among the groups gnomAD compares: African/African-American, 0.016%; no homozygotes.

Submission:

Labcorp Genetics (formerly Invitae), Labcorp
Classification: Uncertain significance. Last evaluated: 2024-11-05. Review status: criteria provided, single submitter. Criteria: Invitae Variant Classification Sherloc (09022015). Collection method: clinical testing. Allele origin: germline.
Comment: This sequence change replaces valine, which is neutral and non-polar, with methionine, which is neutral and non-polar, at codon 178 of the FDX2 protein (p.Val178Met). This variant is present in population databases (rs139721557, gnomAD 0.008%). This variant has not been reported in the literature in individuals affected with FDX2-related conditions. ClinVar contains an entry for this variant (Variation ID: 2187567). Experimental studies and prediction algorithms are not available or were not evaluated, and the functional significance of this variant is currently unknown. In summary, the available evidence is currently insufficient to determine the role of this variant in disease. Therefore, it has been classified as a Variant of Uncertain Significance.

NM_001397406.1(FDX2):c.523G>A (p.Val175Met)

Genes: FDX2 (ferredoxin 2; minus strand), FDX2-ZGLP1 (FDX2-ZGLP1 readthrough; minus strand). Cytogenetic location: 19p13.2.
Variant type: single nucleotide variant.
Coding change: c.523G>A on transcript NM_001397406.1 (MANE Select); coding-DNA position 523, G replaced by A.
Protein change: p.Val175Met; replaces valine 175 with methionine.
Molecular consequence: missense variant.
Genome position (GRCh38, 1-based): chr19:10,310,515, C>T on the plus strand (G>A on the coding strand, the complement: FDX2 is on the minus strand). VCF-style: chr19-10310515-C-T. GRCh37 (hg19) VCF-style: chr19-10421191-C-T.
Other names: c.532G>A, p.Val178Met (NM_001031734.4); short protein forms V175M, V178M.
Identifiers: ClinVar variation 2187567 (VCV002187567.2), dbSNP rs139721557, ClinGen allele CA9191172.